The following is an entry in ClinVar:

NM_144997.7(FLCN):c.122A>G (p.Gln41Arg)

Gene: FLCN (folliculin; minus strand). Cytogenetic location: 17p11.2.
Variant type: single nucleotide variant.
Coding change: c.122A>G on transcript NM_144997.7 (MANE Select); coding-DNA position 122, A replaced by G.
Protein change: p.Gln41Arg; replaces glutamine 41 with arginine.
Molecular consequence: missense variant.
Genome position (GRCh38, 1-based): chr17:17,228,016, T>C on the plus strand (A>G on the coding strand, the complement: FLCN is on the minus strand). VCF-style: chr17-17228016-T-C. GRCh37 (hg19) VCF-style: chr17-17131330-T-C.
Other names: c.122A>G, p.Gln41Arg (NM_001353229.2, NM_001353230.2, NM_001353231.2 and 1 more transcripts); short protein forms Q41R.
Identifiers: ClinVar variation 2103518 (VCV002103518.4), dbSNP rs2047309411, ClinGen allele CA398535285.

ClinVar aggregate classification (germline): Uncertain significance (1 of 4 stars; one submission).

Conditions:
Birt-Hogg-Dube syndrome. Also called: Birt Hogg Dubé syndrome. Identifiers: Orphanet 122, MedGen C0346010, MONDO:0800444.

Submission:

Labcorp Genetics (formerly Invitae), Labcorp
Classification: Uncertain significance for Birt-Hogg-Dube syndrome. Last evaluated: 2022-03-09. Review status: criteria provided, single submitter. Criteria: Invitae Variant Classification Sherloc (09022015). Collection method: clinical testing. Allele origin: germline.
Comment: In summary, the available evidence is currently insufficient to determine the role of this variant in disease. Therefore, it has been classified as a Variant of Uncertain Significance. Algorithms developed to predict the effect of missense changes on protein structure and function output the following: SIFT: "Tolerated"; PolyPhen-2: "Benign"; Align-GVGD: "Class C0". The arginine amino acid residue is found in multiple mammalian species, which suggests that this missense change does not adversely affect protein function. This variant has not been reported in the literature in individuals affected with FLCN-related conditions. This variant is not present in population databases (gnomAD no frequency). This sequence change replaces glutamine, which is neutral and polar, with arginine, which is basic and polar, at codon 41 of the FLCN protein (p.Gln41Arg).